The following is an entry in ClinVar:

NM_001631.5(ALPI):c.333C>T (p.Ser111=)

Gene: ALPI (alkaline phosphatase, intestinal; plus strand). Cytogenetic location: 2q37.1.
Variant type: single nucleotide variant.
Coding change: c.333C>T on transcript NM_001631.5 (MANE Select); coding-DNA position 333, C replaced by T.
Protein change: p.Ser111=; no amino-acid change (serine 111 retained).
Molecular consequence: synonymous variant.
Genome position (GRCh38, 1-based): chr2:232,456,931, C>T. VCF-style: chr2-232456931-C-T. GRCh37 (hg19) VCF-style: chr2-233321641-C-T.
Other names: p.Ser111=.
Identifiers: ClinVar variation 3055586 (VCV003055586.3), dbSNP rs61732032, ClinGen allele CA2166334.
Genomic context (GRCh38, chr2:232,456,931, plus strand): 5'-GTAGAGCTCAGGGTGTCTCCGTTCGCAGACATACAATGTGGACAGACAGGTGCCAGACAG[C>T]GCAGCCACAGCCACGGCCTACCTGTGCGGGGTCAAGGCCAACTTCCAGACCATCGGCTTG-3'
Protein context (NP_001622.2, residues 101-121): TYNVDRQVPD[Ser111=]AATATAYLCG

ClinVar aggregate classification (germline): Benign. Review status: criteria provided, single submitter (1 of 4 stars). 2 submissions from 2 submitters: Benign (1). 1 of the submissions does not count toward it. Last evaluated 2022-09-06.

Conditions:
ALPI-related disorder. Also called: ALPI-related condition.

Allele frequency attached by ClinVar (database versions not stated): TOPMed 0.09273; gnomAD 0.09415; ESP Exome Variant Server 0.09211; 1000 Genomes Project 0.09425; 1000 Genomes Project 30x 0.09666.
gnomAD v4.1: 140,982 of 1,613,426 alleles (8.7%); highest among the groups gnomAD compares: Middle Eastern, 13%; 6,464 homozygotes.

Submissions (2):

Mayo Clinic Laboratories, Mayo Clinic
Classification: Benign. Last evaluated: 2022-09-06. Review status: criteria provided, single submitter. Criteria: ACMG Guidelines, 2015. Collection method: clinical testing. Allele origin: germline. Observed: 81 variant alleles.

PreventionGenetics, part of Exact Sciences
Classification: Benign for ALPI-related condition. Last evaluated: 2019-11-20. Review status: no assertion criteria provided. Collection method: clinical testing. Allele origin: germline. Not counted in ClinVar's aggregate classification.
Comment: This variant is classified as benign based on ACMG/AMP sequence variant interpretation guidelines (Richards et al. 2015 PMID: 25741868, with internal and published modifications).